The following is an entry in ClinVar:

NM_020937.4(FANCM):c.6009-6T>C

Gene: FANCM (FA complementation group M; plus strand). Cytogenetic location: 14q21.2.
Variant type: single nucleotide variant.
Coding change: c.6009-6T>C on transcript NM_020937.4 (MANE Select); 6 bases into the intron before coding-DNA position 6009, T replaced by C.
Molecular consequence: intron variant.
Genome position (GRCh38, 1-based): chr14:45,199,864, T>C. VCF-style: chr14-45199864-T-C. GRCh37 (hg19) VCF-style: chr14-45669067-T-C.
Other names: c.5931-6T>C (NM_001308133.2).
Identifiers: ClinVar variation 3364302 (VCV003364302.1).

ClinVar aggregate classification (germline): Uncertain significance (1 of 4 stars; one submission).

gnomAD v4.1: 1 of 1,611,448 alleles (0.000062%); highest among the groups gnomAD compares: Non-Finnish European, 0.000085%; no homozygotes.

Submission:

GeneDx
Classification: Uncertain significance. Last evaluated: 2023-11-10. Review status: criteria provided, single submitter. Criteria: GeneDx Variant Classification Process June 2021. Collection method: clinical testing. Allele origin: germline. Affected: yes.
Comment: Not observed at significant frequency in large population cohorts (gnomAD); Has not been previously published as pathogenic or benign to our knowledge; In silico analysis is inconclusive as to whether the variant alters gene splicing. In the absence of RNA/functional studies, the actual effect of this sequence change is unknown.